The following is an entry in ClinVar:

ClinVar aggregate classification (germline): Likely benign (1 of 4 stars; one submission).

Allele frequency attached by ClinVar (database versions not stated): gnomAD exomes below 0.00001.
gnomAD v4.1: 5 of 1,561,118 alleles (0.00032%); highest among the groups gnomAD compares: Non-Finnish European, 0.00043%; no homozygotes.

Submission:

GeneDx
Classification: Likely benign. Last evaluated: 2017-07-05. Review status: criteria provided, single submitter. Criteria: GeneDx Variant Classification (06012015). Collection method: clinical testing. Allele origin: germline. Affected: yes.
Comment: This variant is considered likely benign or benign based on one or more of the following criteria: it is a conservative change, it occurs at a poorly conserved position in the protein, it is predicted to be benign by multiple in silico algorithms, and/or has population frequency not consistent with disease.

NM_000363.5(TNNI3):c.109-20G>C

Gene: TNNI3 (troponin I3, cardiac type; minus strand). Cytogenetic location: 19q13.42.
Variant type: single nucleotide variant.
Coding change: c.109-20G>C on transcript NM_000363.5 (MANE Select); 20 bases into the intron before coding-DNA position 109, G replaced by C.
Molecular consequence: intron variant.
Genome position (GRCh38, 1-based): chr19:55,156,664, C>G on the plus strand (G>C on the coding strand, the complement: TNNI3 is on the minus strand). VCF-style: chr19-55156664-C-G. GRCh37 (hg19) VCF-style: chr19-55668032-C-G.
Other names: c.109-20G>C (LRG_432t1).
Identifiers: ClinVar variation 510612 (VCV000510612.1), dbSNP rs1555864156, ClinGen allele CA407442627.